The following is an entry in ClinVar:

ClinVar aggregate classification (germline): Likely benign. Review status: criteria provided, multiple submitters, no conflicts (2 of 4 stars). 4 submissions from 4 submitters: Likely benign (4). Last evaluated 2025-10-21.

Conditions:
Deafness-lymphedema-leukemia syndrome. Also called: Lymphedema, primary, with myelodysplasia; Emberger syndrome. Identifiers: Orphanet 3226, MedGen C3279664, MONDO:0013540, OMIM 614038.
Monocytopenia with susceptibility to infections. Also called: MONOCYTOPENIA AND MYCOBACTERIAL INFECTION SYNDROME; MONOCYTOPENIA WITH SUSCEPTIBILITY TO MYCOBACTERIAL, FUNGAL, AND PAPILLOMAVIRUS INFECTIONS AND MYELODYSPLASIA; COMBINED IMMUNODEFICIENCY WITH SUSCEPTIBILITY TO MYCOBACTERIAL, VIRAL, AND FUNGAL INFECTIONS; Dendritic cell, monocyte, B lymphocyte, and natural killer lymphocyte deficiency; IMMUNODEFICIENCY 21; GATA2 DEFICIENCY. Identifiers: Orphanet 228423, MedGen C3280030, MONDO:0013607, OMIM 614172.

Allele frequency attached by ClinVar (database versions not stated): ExAC 0.00003; TOPMed 0.00003; gnomAD 0.00004; gnomAD exomes 0.00004; 1000 Genomes Project 30x 0.00016; 1000 Genomes Project 0.00020.
gnomAD v4.1: 65 of 1,611,346 alleles (0.004%); highest among the groups gnomAD compares: South Asian, 0.0077%; no homozygotes.

Submissions (4):

Labcorp Genetics (formerly Invitae), Labcorp
Classification: Likely benign for Monocytopenia with susceptibility to infections; Deafness-lymphedema-leukemia syndrome. Last evaluated: 2025-10-21. Review status: criteria provided, single submitter. Criteria: Invitae Variant Classification Sherloc (09022015). Collection method: clinical testing. Allele origin: germline.

Mayo Clinic Laboratories, Mayo Clinic
Classification: Likely benign. Last evaluated: 2025-09-18. Review status: criteria provided, single submitter. Criteria: ACMG Guidelines, 2015. Collection method: clinical testing. Allele origin: germline. Observed: 1 variant allele.
Comment: BP4, BP7

Blueprint Genetics
Classification: Likely benign. Last evaluated: 2020-10-19. Review status: criteria provided, single submitter. Criteria: ACMG Guidelines, 2015. Collection method: clinical testing. Allele origin: germline.

PreventionGenetics, part of Exact Sciences
Classification: Likely benign. Last evaluated: 2018-12-12. Review status: criteria provided, single submitter. Criteria: ACMG Guidelines, 2015. Collection method: clinical testing. Allele origin: germline.

NM_032638.5(GATA2):c.1143+9G>A

Gene: GATA2 (GATA binding protein 2; minus strand). Cytogenetic location: 3q21.3.
Variant type: single nucleotide variant.
Coding change: c.1143+9G>A on transcript NM_032638.5 (MANE Select); 9 bases into the intron after coding-DNA position 1143, G replaced by A.
Molecular consequence: intron variant.
Genome position (GRCh38, 1-based): chr3:128,481,810, C>T on the plus strand (G>A on the coding strand, the complement: GATA2 is on the minus strand). VCF-style: chr3-128481810-C-T. GRCh37 (hg19) VCF-style: chr3-128200653-C-T.
Other names: p.?; c.1101+9G>A (NM_001145662.1); c.1143+9G>A (NM_001145661.2).
Identifiers: ClinVar variation 539726 (VCV000539726.15), dbSNP rs533617078, ClinGen allele CA2599861.